The following is an entry in ClinVar:

ClinVar aggregate classification (germline): Uncertain significance (1 of 4 stars; one submission).

gnomAD v4.1: 1 of 1,613,946 alleles (0.000062%); highest among the groups gnomAD compares: African/African-American, 0.0013%; no homozygotes.

Submission:

GeneDx
Classification: Uncertain significance. Last evaluated: 2025-07-01. Review status: criteria provided, single submitter. Criteria: GeneDx Variant Classification Process June 2021. Collection method: clinical testing. Allele origin: germline. Affected: yes.
Comment: Not observed at significant frequency in large population cohorts (gnomAD); In silico analysis supports that this missense variant has a deleterious effect on protein structure/function; Has not been previously published as pathogenic or benign to our knowledge

NM_006421.5(ARFGEF1):c.584A>C (p.Lys195Thr)

Gene: ARFGEF1 (ARF guanine nucleotide exchange factor 1; minus strand). Cytogenetic location: 8q13.2.
Variant type: single nucleotide variant.
Coding change: c.584A>C on transcript NM_006421.5 (MANE Select); coding-DNA position 584, A replaced by C.
Protein change: p.Lys195Thr; replaces lysine 195 with threonine.
Molecular consequence: missense variant. On other transcripts: 5 prime UTR variant (4), non-coding transcript variant (1).
Genome position (GRCh38, 1-based): chr8:67,296,486, T>G on the plus strand (A>C on the coding strand, the complement: ARFGEF1 is on the minus strand). VCF-style: chr8-67296486-T-G. GRCh37 (hg19) VCF-style: chr8-68208721-T-G.
Other names: c.584A>C, p.Lys195Thr (NM_001413184.1, NM_001413185.1, NM_001413186.1 and 7 more transcripts); c.-17A>C (NM_001413188.1, NM_001413193.1, NM_001413197.1); c.-532A>C (NM_001413196.1); short protein forms K195T.
Identifiers: ClinVar variation 3901333 (VCV003901333.2).
Genomic context (GRCh38, chr8:67,296,486, plus strand): 5'-CTTACTGCTTGGTTTTCCATGCGTGCAAAGATAACATTTAGCATCTGAGTGAGAGTAGCT[T>G]TGGCTGTTGTCTGATTGATGAGATTTTTGCTTGCTAAGTAGATATTGTAACATGTTCTCA-3'
Protein context (NP_006412.2, residues 185-205): SKNLINQTTA[Lys195Thr]ATLTQMLNVI